The following is an entry in ClinVar:

NM_000257.4(MYH7):c.2093T>C (p.Val698Ala)

Gene: MYH7 (myosin heavy chain 7; minus strand). Cytogenetic location: 14q11.2.
Variant type: single nucleotide variant.
Coding change: c.2093T>C on transcript NM_000257.4 (MANE Select); coding-DNA position 2093, T replaced by C.
Protein change: p.Val698Ala; replaces valine 698 with alanine.
Molecular consequence: missense variant.
Genome position (GRCh38, 1-based): chr14:23,426,033, A>G on the plus strand (T>C on the coding strand, the complement: MYH7 is on the minus strand). VCF-style: chr14-23426033-A-G. GRCh37 (hg19) VCF-style: chr14-23895242-A-G.
Other names: short protein forms V698A.
Identifiers: ClinVar variation 42878 (VCV000042878.6), dbSNP rs397516130, ClinGen allele CA011673.
Genomic context (GRCh38, chr14:23,426,033, plus strand): 5'-AAGTCCCCGTAGAGGATGCGGTTGGGGAAGCCTTTCCTGCAGATGCGGATGCCCTCCAGC[A>G]CACCATTGCAGCGCAGCTGGTGCATGACCAGGGGGTTGTCCATCACCCCTGTGGCAAGAA-3'
Protein context (NP_000248.2, residues 688-708): LVMHQLRCNG[Val698Ala]LEGIRICRKG

ClinVar aggregate classification (germline): Conflicting classifications of pathogenicity. Review status: criteria provided, conflicting classifications (1 of 4 stars). 2 submissions from 2 submitters: Likely pathogenic (1); Uncertain significance (1). Last evaluated 2018-06-05.

Conditions:
Hypertrophic cardiomyopathy 1 (CMH1). Also called: Familial hypertrophic cardiomyopathy 1; MYH7-Related Familial Hypertrophic Cardiomyopathy. Identifiers: MedGen C3495498, MONDO:0008647, OMIM 192600.

Submissions (2):

Agnes Ginges Centre for Molecular Cardiology, Centenary Institute
Classification: Likely pathogenic for Hypertrophic cardiomyopathy 1. Last evaluated: 2018-06-05. Review status: criteria provided, single submitter. Criteria: ACMG Guidelines, 2015. Collection method: research. Allele origin: germline. Inheritance: Autosomal dominant inheritance. Affected: yes.
Comment: Genetic analysis of our family found the variant to segregate with disease (6 meioses). This variant is absent in the Genome Aggregation Database. In a large HCM population study Walsh et al., showed that MYH7 variants identified in HCM cases were found to cluster between amino acids 181- 937 (2017), this implies that variants in this region are likely to cause a HCM phenotype. Furthermore variants located in the converter region of MYH7 are predicted to result in worse outcomes (Garcia-Giustiniani et al., 2015). Computational tools SIFT, PolyPhen-2 and MutationTaster predict this variant to be deleterious. Based on the adapted ACMG criteria (Kelly MA, et al., 2018) this variant is located in a mutational hotspot (PM1), is rare in the general population (PM2), segregates with disease (PP1_Mod/Strong?) and multiple in silico tools predict it to be deleterious (PP3), therefore we classify MYH7 Val698Ala as "pathogenic".

Laboratory for Molecular Medicine, Mass General Brigham Personalized Medicine
Classification: Uncertain significance. Last evaluated: 2014-01-06. Review status: criteria provided, single submitter. Criteria: LMM Criteria. Collection method: clinical testing. Allele origin: germline. Observed: 2 variant alleles.
Comment: proposed classification - variant undergoing re-assessment, contact laboratory

Literature cited by the submitters: PubMed 16199542 (cited by Agnes Ginges Centre for Molecular Cardiology, Centenary Institute and Laboratory for Molecular Medicine, Mass General Brigham Personalized Medicine); PubMed 29710196 (cited by Agnes Ginges Centre for Molecular Cardiology, Centenary Institute).